The following is an entry in ClinVar:

NM_024747.6(HPS6):c.1747T>A (p.Phe583Ile)

Gene: HPS6 (HPS6 biogenesis of lysosomal organelles complex 2 subunit 3; plus strand). Cytogenetic location: 10q24.32.
Variant type: single nucleotide variant.
Coding change: c.1747T>A on transcript NM_024747.6 (MANE Select); coding-DNA position 1747, T replaced by A.
Protein change: p.Phe583Ile; replaces phenylalanine 583 with isoleucine.
Molecular consequence: missense variant.
Genome position (GRCh38, 1-based): chr10:102,067,221, T>A. VCF-style: chr10-102067221-T-A. GRCh37 (hg19) VCF-style: chr10-103826978-T-A.
Other names: short protein forms F583I.
Identifiers: ClinVar variation 2120316 (VCV002120316.4), dbSNP rs2067978306, ClinGen allele CA377871647.

ClinVar aggregate classification (germline): Uncertain significance (1 of 4 stars; one submission).

Allele frequency attached by ClinVar (database versions not stated): gnomAD exomes below 0.00001.

Submission:

Labcorp Genetics (formerly Invitae), Labcorp
Classification: Uncertain significance. Last evaluated: 2022-04-01. Review status: criteria provided, single submitter. Criteria: Invitae Variant Classification Sherloc (09022015). Collection method: clinical testing. Allele origin: germline.
Comment: This sequence change replaces phenylalanine, which is neutral and non-polar, with isoleucine, which is neutral and non-polar, at codon 583 of the HPS6 protein (p.Phe583Ile). This variant is not present in population databases (gnomAD no frequency). This variant has not been reported in the literature in individuals affected with HPS6-related conditions. Algorithms developed to predict the effect of missense changes on protein structure and function are either unavailable or do not agree on the potential impact of this missense change (SIFT: "Deleterious"; PolyPhen-2: "Probably Damaging"; Align-GVGD: "Class C15"). In summary, the available evidence is currently insufficient to determine the role of this variant in disease. Therefore, it has been classified as a Variant of Uncertain Significance.